The following is an entry in ClinVar:

ClinVar aggregate classification (germline): Pathogenic (1 of 4 stars; one submission).

Submission:

Labcorp Genetics (formerly Invitae), Labcorp
Classification: Pathogenic. Last evaluated: 2023-02-23. Review status: criteria provided, single submitter. Criteria: Invitae Variant Classification Sherloc (09022015). Collection method: clinical testing. Allele origin: germline.
Comment: This variant is a gross deletion of the genomic region encompassing exon(s) 4 of the TYR gene. While this deletion is not anticipated to lead to nonsense mediated decay, it is expected to disrupt the C-terminus of the protein. This variant has not been reported in the literature in individuals affected with TYR-related conditions. This variant disrupts a region of the TYR protein in which other variant(s) (p.Ala490Cysfs*20) have been determined to be pathogenic (PMID: 1642278, 1711223, 13680365, 18463683). This suggests that this is a clinically significant region of the protein, and that variants that disrupt it are likely to be disease-causing. For these reasons, this variant has been classified as Pathogenic.

Literature cited by the submitters: PubMed 1642278; PubMed 1711223; PubMed 13680365; PubMed 18463683.

NC_000011.9:g.(?_89017921)_(89018142_?)del

Gene: TYR (tyrosinase; plus strand). Cytogenetic location: 11q14.3.
Variant type: Deletion.
Identifiers: ClinVar variation 1454922 (VCV001454922.6).